The following is an entry in ClinVar:

NM_001384910.1(GUCA1A):c.600C>T (p.Ala200=)

Genes: GUCA1A (guanylate cyclase activator 1A; plus strand), GUCA1ANB-GUCA1A (GUCA1ANB-GUCA1A readthrough; plus strand). Cytogenetic location: 6p21.1.
Variant type: single nucleotide variant.
Coding change: c.600C>T on transcript NM_001384910.1 (MANE Select); coding-DNA position 600, C replaced by T.
Protein change: p.Ala200=; no amino-acid change (alanine 200 retained).
Molecular consequence: synonymous variant.
Genome position (GRCh38, 1-based): chr6:42,179,397, C>T. VCF-style: chr6-42179397-C-T. GRCh37 (hg19) VCF-style: chr6-42147135-C-T.
Other names: c.600C>T, p.Ala200= (NM_000409.5, NM_001319061.2, NM_001319062.2).
Identifiers: ClinVar variation 500440 (VCV000500440.16), dbSNP rs149482975, ClinGen allele CA3805453.

ClinVar aggregate classification (germline): Benign/Likely benign. Review status: criteria provided, multiple submitters, no conflicts (2 of 4 stars). 4 submissions from 4 submitters: Benign (1); Likely benign (2). 1 of the submissions does not count toward it. Last evaluated 2025-10-03.

Conditions:
GUCA1A-related disorder. Also called: GUCA1A-related condition.

Allele frequency attached by ClinVar (database versions not stated): gnomAD exomes 0.00018; ExAC 0.00045; gnomAD 0.00058 and 0.00059; TOPMed 0.00064; 1000 Genomes Project 0.00100; 1000 Genomes Project 30x 0.00109; ESP Exome Variant Server 0.00123.
gnomAD v4.1: 154 of 1,592,546 alleles (0.0097%); highest among the groups gnomAD compares: African/African-American, 0.19%; no homozygotes.

Submissions (4):

Labcorp Genetics (formerly Invitae), Labcorp
Classification: Benign. Last evaluated: 2025-10-03. Review status: criteria provided, single submitter. Criteria: Invitae Variant Classification Sherloc (09022015). Collection method: clinical testing. Allele origin: germline.

Blueprint Genetics
Classification: Likely benign. Last evaluated: 2024-10-22. Review status: criteria provided, single submitter. Criteria: ACMG Guidelines, 2015. Collection method: clinical testing. Allele origin: germline.

Eurofins Ntd Llc (ga)
Classification: Likely benign. Last evaluated: 2017-02-17. Review status: criteria provided, single submitter. Criteria: EGL Classification Definitions 2015. Collection method: clinical testing. Allele origin: germline. Observed: 1 variant allele, 1 heterozygote.

PreventionGenetics, part of Exact Sciences
Classification: Likely benign for GUCA1A-related condition. Last evaluated: 2020-05-04. Review status: no assertion criteria provided. Collection method: clinical testing. Allele origin: germline. Not counted in ClinVar's aggregate classification.
Comment: This variant is classified as likely benign based on ACMG/AMP sequence variant interpretation guidelines (Richards et al. 2015 PMID: 25741868, with internal and published modifications).